The following is an entry in ClinVar:

ClinVar aggregate classification (germline): Uncertain significance (1 of 4 stars; one submission).

Conditions:
Immunodeficiency 67. Also called: Immunodeficiency due to interleukin-1 receptor-associated kinase-4 deficiency. Identifiers: Orphanet 70592, MedGen C1843256, MONDO:0011888, OMIM 607676.

Submission:

Labcorp Genetics (formerly Invitae), Labcorp
Classification: Uncertain significance for Immunodeficiency 67. Last evaluated: 2022-07-26. Review status: criteria provided, single submitter. Criteria: Invitae Variant Classification Sherloc (09022015). Collection method: clinical testing. Allele origin: germline.
Comment: In summary, the available evidence is currently insufficient to determine the role of this variant in disease. Therefore, it has been classified as a Variant of Uncertain Significance. Algorithms developed to predict the effect of missense changes on protein structure and function (SIFT, PolyPhen-2, Align-GVGD) all suggest that this variant is likely to be tolerated. This variant has not been reported in the literature in individuals affected with IRAK4-related conditions. This variant is not present in population databases (gnomAD no frequency). This sequence change replaces glutamic acid, which is acidic and polar, with aspartic acid, which is acidic and polar, at codon 439 of the IRAK4 protein (p.Glu439Asp).

NM_016123.4(IRAK4):c.1317A>C (p.Glu439Asp)

Gene: IRAK4 (interleukin 1 receptor associated kinase 4; plus strand). Cytogenetic location: 12q12.
Variant type: single nucleotide variant.
Coding change: c.1317A>C on transcript NM_016123.4 (MANE Select); coding-DNA position 1317, A replaced by C.
Protein change: p.Glu439Asp; replaces glutamic acid 439 with aspartic acid.
Molecular consequence: missense variant.
Genome position (GRCh38, 1-based): chr12:43,786,527, A>C. VCF-style: chr12-43786527-A-C. GRCh37 (hg19) VCF-style: chr12-44180330-A-C.
Other names: c.1317A>C, p.Glu439Asp (NM_001114182.3, NM_001351345.2); c.945A>C, p.Glu315Asp (NM_001145256.2, NM_001145257.2, NM_001145258.2 and 5 more transcripts); c.708A>C, p.Glu236Asp (NM_001351343.2, NM_001351344.2); short protein forms E439D, E315D, E236D.
Identifiers: ClinVar variation 2053996 (VCV002053996.4), dbSNP rs2540505709, ClinGen allele CA384478321.
Genomic context (GRCh38, chr12:43,786,527, plus strand): 5'-TGATGCTGATTCCACTTCAGTTGAAGCTATGTACTCTGTTGCTAGTCAATGTCTGCATGA[A>C]AAGAAAAATAAGAGACCAGACATTAAGAAGGTATGCATTTTTTATACTTATTTAAAAAGT-3'
Protein context (NP_057207.2, residues 429-449): MYSVASQCLH[Glu439Asp]KKNKRPDIKK